The following is an entry in ClinVar:

ClinVar aggregate classification (germline): Uncertain significance (1 of 4 stars; one submission).

Conditions:
Cowden syndrome (CS). Also called: Cowden's disease; Cowden's syndrome; Cowden disease. Identifiers: Orphanet 201, MedGen C0018553, MONDO:0016063. Disease mechanism: gain of function.

Submission:

Labcorp Genetics (formerly Invitae), Labcorp
Classification: Uncertain significance for Cowden syndrome. Last evaluated: 2022-03-03. Review status: criteria provided, single submitter. Criteria: Invitae Variant Classification Sherloc (09022015). Collection method: clinical testing. Allele origin: germline.
Comment: Algorithms developed to predict the effect of missense changes on protein structure and function are either unavailable or do not agree on the potential impact of this missense change (SIFT: "Deleterious"; PolyPhen-2: "Benign"; Align-GVGD: "Class C0"). In summary, the available evidence is currently insufficient to determine the role of this variant in disease. Therefore, it has been classified as a Variant of Uncertain Significance. This variant has not been reported in the literature in individuals affected with PIK3CA-related conditions. This variant is not present in population databases (gnomAD no frequency). This sequence change replaces glutamic acid, which is acidic and polar, with glutamine, which is neutral and polar, at codon 494 of the PIK3CA protein (p.Glu494Gln).

NM_006218.4(PIK3CA):c.1480G>C (p.Glu494Gln)

Gene: PIK3CA (phosphatidylinositol-4,5-bisphosphate 3-kinase catalytic subunit alpha; plus strand). Cytogenetic location: 3q26.32.
Variant type: single nucleotide variant.
Coding change: c.1480G>C on transcript NM_006218.4 (MANE Select); coding-DNA position 1480, G replaced by C.
Protein change: p.Glu494Gln; replaces glutamic acid 494 with glutamine.
Molecular consequence: missense variant.
Genome position (GRCh38, 1-based): chr3:179,210,506, G>C. VCF-style: chr3-179210506-G-C. GRCh37 (hg19) VCF-style: chr3-178928294-G-C.
Other names: short protein forms E494Q.
Identifiers: ClinVar variation 2106618 (VCV002106618.4), dbSNP rs2108401511, ClinGen allele CA355262620.